The following is an entry in ClinVar:

ClinVar aggregate classification (germline): Pathogenic/Likely pathogenic. Review status: criteria provided, multiple submitters, no conflicts (2 of 4 stars). 2 submissions from 2 submitters: Pathogenic (1); Likely pathogenic (1). Last evaluated 2018-01-03.

Conditions:
COL4A5-related disorders.

Submissions (2):

Blueprint Genetics
Classification: Likely pathogenic for COL4A5-related disorders. Last evaluated: 2018-01-03. Review status: criteria provided, single submitter. Criteria: ACMG Guidelines, 2015. Collection method: clinical testing. Allele origin: germline. Affected: yes. Observed: 1 variant allele.

GeneDx
Classification: Pathogenic. Last evaluated: 2016-09-29. Review status: criteria provided, single submitter. Criteria: GeneDx Variant Classification (06012015). Collection method: clinical testing. Allele origin: germline. Affected: yes.
Comment: The G908X nonsense variant in the COL4A5 gene has not been reported previously as a pathogenic variant, nor as a benign variant, to our knowledge. This variant is predicted to cause loss of normal protein function either through protein truncation or nonsense-mediated mRNA decay. Based on currently available evidence, we consider G908X to be pathogenic, and its presence consistent with a risk to develop features of Alport syndrome

NM_033380.3(COL4A5):c.2722G>T (p.Gly908Ter)

Gene: COL4A5 (collagen type IV alpha 5 chain; plus strand). Cytogenetic location: Xq22.3.
Variant type: single nucleotide variant.
Coding change: c.2722G>T on transcript NM_033380.3 (MANE Select); coding-DNA position 2722, G replaced by T.
Protein change: p.Gly908Ter; replaces glycine 908 with a stop codon.
Molecular consequence: nonsense.
Genome position (GRCh38, 1-based): chrX:108,621,847, G>T. VCF-style: chrX-108621847-G-T. GRCh37 (hg19) VCF-style: chrX-107865077-G-T.
Other names: c.2722G>T, p.Gly908Ter (NM_000495.5); short protein forms G908*.
Identifiers: ClinVar variation 280889 (VCV000280889.3), dbSNP rs281874703, ClinGen allele CA10603526.